The following is an entry in ClinVar:

ClinVar aggregate classification (germline): Likely benign (1 of 4 stars; one submission).

Allele frequency attached by ClinVar (database versions not stated): ExAC 0.00001; gnomAD 0.00001; TOPMed 0.00002; gnomAD exomes 0.00007.
gnomAD v4.1: 105 of 1,611,862 alleles (0.0065%); highest among the groups gnomAD compares: Non-Finnish European, 0.0087%; no homozygotes.

Submission:

CeGaT Center for Human Genetics Tuebingen
Classification: Likely benign. Last evaluated: 2024-06-01. Review status: criteria provided, single submitter. Criteria: CeGaT Center For Human Genetics Tuebingen Variant Classification Criteria Version 2. Collection method: clinical testing. Allele origin: germline. Affected: yes. Observed: 1 variant allele.
Comment: CAMK2A: BP4

NM_015981.4(CAMK2A):c.1238-5T>C

Gene: CAMK2A (calcium/calmodulin dependent protein kinase II alpha; minus strand). Cytogenetic location: 5q32.
Variant type: single nucleotide variant.
Coding change: c.1238-5T>C on transcript NM_015981.4 (MANE Select); 5 bases into the intron before coding-DNA position 1238, T replaced by C.
Molecular consequence: intron variant.
Genome position (GRCh38, 1-based): chr5:150,223,222, A>G on the plus strand (T>C on the coding strand, the complement: CAMK2A is on the minus strand). VCF-style: chr5-150223222-A-G. GRCh37 (hg19) VCF-style: chr5-149602785-A-G.
Other names: c.1205-5T>C (NM_001363990.1, NM_171825.3, NM_001369025.2); c.1238-5T>C (NM_001363989.1).
Identifiers: ClinVar variation 3250942 (VCV003250942.18), dbSNP rs776720632.